The following is an entry in ClinVar:

NM_198506.5(LRIT3):c.1245C>A (p.Phe415Leu)

Gene: LRIT3 (leucine rich repeat, Ig-like and transmembrane domains 3; plus strand). Cytogenetic location: 4q25.
Variant type: single nucleotide variant.
Coding change: c.1245C>A on transcript NM_198506.5 (MANE Select); coding-DNA position 1245, C replaced by A.
Protein change: p.Phe415Leu; replaces phenylalanine 415 with leucine.
Molecular consequence: missense variant.
Genome position (GRCh38, 1-based): chr4:109,869,994, C>A. VCF-style: chr4-109869994-C-A. GRCh37 (hg19) VCF-style: chr4-110791150-C-A.
Other names: short protein forms F415L.
Identifiers: ClinVar variation 1356432 (VCV001356432.5), dbSNP rs772441857, ClinGen allele CA3043158.
Genomic context (GRCh38, chr4:109,869,994, plus strand): 5'-TTCTTTTTCTGCTTCTACTTTGTCTCCTCCCTCTACTGCTTCCTTCTCTTTATCTCCTTT[C>A]TCCTCCTCCACTGTTTCTTCAACCACAACTCTGAGCACAAGCATCTCAGCAAGTACCACC-3'
Protein context (NP_940908.3, residues 405-425): PSTASFSLSP[Phe415Leu]SSSTVSSTTT

ClinVar aggregate classification (germline): Uncertain significance (1 of 4 stars; one submission).

Allele frequency attached by ClinVar (database versions not stated): gnomAD exomes 0.00001; TOPMed 0.00001; ExAC 0.00002.
gnomAD v4.1: 3 of 1,614,150 alleles (0.00019%); highest among the groups gnomAD compares: Admixed American, 0.005%; no homozygotes.

Submission:

Labcorp Genetics (formerly Invitae), Labcorp
Classification: Uncertain significance. Last evaluated: 2022-06-28. Review status: criteria provided, single submitter. Criteria: Invitae Variant Classification Sherloc (09022015). Collection method: clinical testing. Allele origin: germline.
Comment: This variant is present in population databases (rs772441857, gnomAD 0.009%). This sequence change replaces phenylalanine, which is neutral and non-polar, with leucine, which is neutral and non-polar, at codon 415 of the LRIT3 protein (p.Phe415Leu). This variant has not been reported in the literature in individuals affected with LRIT3-related conditions. Algorithms developed to predict the effect of missense changes on protein structure and function (SIFT, PolyPhen-2, Align-GVGD) all suggest that this variant is likely to be tolerated. In summary, the available evidence is currently insufficient to determine the role of this variant in disease. Therefore, it has been classified as a Variant of Uncertain Significance.